The following is an entry in ClinVar:

NM_001276270.2(MBD4):c.850C>T (p.Leu284Phe)

Gene: MBD4 (methyl-CpG binding domain 4, DNA glycosylase; minus strand). Cytogenetic location: 3q21.3.
Variant type: single nucleotide variant.
Coding change: c.850C>T on transcript NM_001276270.2 (MANE Select); coding-DNA position 850, C replaced by T.
Protein change: p.Leu284Phe; replaces leucine 284 with phenylalanine.
Molecular consequence: missense variant. On other transcripts: intron variant (1).
Genome position (GRCh38, 1-based): chr3:129,436,794, G>A on the plus strand (C>T on the coding strand, the complement: MBD4 is on the minus strand). VCF-style: chr3-129436794-G-A. GRCh37 (hg19) VCF-style: chr3-129155637-G-A.
Other names: c.850C>T, p.Leu284Phe (NM_001276271.2, NM_001276272.2, NM_003925.3); c.247+1014C>T (NM_001276273.2); short protein forms L284F.
Identifiers: ClinVar variation 3725636 (VCV003725636.2).
Genomic context (GRCh38, chr3:129,436,794, plus strand): 5'-TGGTCACACTGAGGGTCTCACCACATGCTCCAGCATCAGAAATGCAGACAGTTCTATCAA[G>A]CTGACTTTTTTGTGCAACAGGTTCACTTTCAGCATCTGCTTTATTACACACAGATTCTCT-3'
Protein context (NP_001263199.1, residues 274-294): ESEPVAQKSQ[Leu284Phe]DRTVCISDAG

ClinVar aggregate classification (germline): Uncertain significance (1 of 4 stars; one submission).

gnomAD v4.1: 8 of 1,614,042 alleles (0.0005%); highest among the groups gnomAD compares: Non-Finnish European, 0.00068%; no homozygotes.

Submission:

Labcorp Genetics (formerly Invitae), Labcorp
Classification: Uncertain significance. Last evaluated: 2024-11-19. Review status: criteria provided, single submitter. Criteria: Invitae Variant Classification Sherloc (09022015). Collection method: clinical testing. Allele origin: germline.
Comment: This sequence change replaces leucine, which is neutral and non-polar, with phenylalanine, which is neutral and non-polar, at codon 284 of the MBD4 protein (p.Leu284Phe). This variant is not present in population databases (gnomAD no frequency). This variant has not been reported in the literature in individuals affected with MBD4-related conditions. An algorithm developed to predict the effect of missense changes on protein structure and function (PolyPhen-2) suggests that this variant is likely to be disruptive. In summary, the available evidence is currently insufficient to determine the role of this variant in disease. Therefore, it has been classified as a Variant of Uncertain Significance.